The following is an entry in ClinVar:

ClinVar aggregate classification (germline): Uncertain significance (1 of 4 stars; one submission).

Conditions:
Progressive myoclonic epilepsy. Also called: Familial progressive myoclonic epilepsy; Myoclonic Epilepsies, Progressive; Myoclonus epilepsy; Progressive myoclonus epilepsy. Identifiers: Orphanet 308, Orphanet 98261, MedGen C0751778, MONDO:0020074.

gnomAD v4.1: 2 of 1,614,164 alleles (0.00012%); highest among the groups gnomAD compares: Non-Finnish European, 0.00017%; no homozygotes.

Submission:

Labcorp Genetics (formerly Invitae), Labcorp
Classification: Uncertain significance for Progressive myoclonic epilepsy. Last evaluated: 2021-12-02. Review status: criteria provided, single submitter. Criteria: Invitae Variant Classification Sherloc (09022015). Collection method: clinical testing. Allele origin: germline.
Comment: This variant has not been reported in the literature in individuals affected with EPM2A-related conditions. This variant is not present in population databases (gnomAD no frequency). This sequence change replaces histidine, which is basic and polar, with arginine, which is basic and polar, at codon 253 of the EPM2A protein (p.His253Arg). Algorithms developed to predict the effect of missense changes on protein structure and function are either unavailable or do not agree on the potential impact of this missense change (SIFT: "Tolerated"; PolyPhen-2: "Possibly Damaging"; Align-GVGD: "Class C0"). In summary, the available evidence is currently insufficient to determine the role of this variant in disease. Therefore, it has been classified as a Variant of Uncertain Significance. This variant disrupts the p.His253 amino acid residue in EPM2A. Other variant(s) that disrupt this residue have been determined to be pathogenic (PMID: 30947044). This suggests that this residue is clinically significant, and that variants that disrupt this residue are likely to be disease-causing.

Literature cited by the submitters: PubMed 30947044.

NM_005670.4(EPM2A):c.758A>G (p.His253Arg)

Gene: EPM2A (EPM2A glucan phosphatase, laforin; minus strand). Cytogenetic location: 6q24.3.
Variant type: single nucleotide variant.
Coding change: c.758A>G on transcript NM_005670.4 (MANE Select); coding-DNA position 758, A replaced by G.
Protein change: p.His253Arg; replaces histidine 253 with arginine.
Molecular consequence: missense variant. On other transcripts: synonymous variant (1), non-coding transcript variant (1).
Genome position (GRCh38, 1-based): chr6:145,627,654, T>C on the plus strand (A>G on the coding strand, the complement: EPM2A is on the minus strand). VCF-style: chr6-145627654-T-C. GRCh37 (hg19) VCF-style: chr6-145948790-T-C.
Other names: c.758A>G, p.His253Arg (NM_001018041.2); c.516A>G, p.Ala172= (NM_001360057.2); c.344A>G, p.His115Arg (NM_001360064.2, NM_001360071.2, NM_001368131.1); c.296A>G, p.His99Arg (NM_001368129.2, NM_001368132.1); short protein forms H99R, H115R, H253R.
Identifiers: ClinVar variation 1523755 (VCV001523755.6), dbSNP rs749937487, ClinGen allele CA366190409.
Genomic context (GRCh38, chr6:145,627,654, plus strand): 5'-GAGCGGCCCACCCCAGCGTTGCAGTGCACGTACACGATGTGTCCCTTCTCCAGCAGCGCA[T>C]GCAGCAGGCACACCGCCTGGGGCAGCATCTGTACTCGGCCTGCGGTGGGGAAAGCACAGC-3'
Protein context (NP_005661.1, residues 243-263): QMLPQAVCLL[His253Arg]ALLEKGHIVY